The following is an entry in ClinVar:

NM_004369.4(COL6A3):c.5590G>A (p.Ala1864Thr)

Gene: COL6A3 (collagen type VI alpha 3 chain; minus strand). Cytogenetic location: 2q37.3.
Variant type: single nucleotide variant.
Coding change: c.5590G>A on transcript NM_004369.4 (MANE Select); coding-DNA position 5590, G replaced by A.
Protein change: p.Ala1864Thr; replaces alanine 1864 with threonine.
Molecular consequence: missense variant.
Genome position (GRCh38, 1-based): chr2:237,365,946, C>T on the plus strand (G>A on the coding strand, the complement: COL6A3 is on the minus strand). VCF-style: chr2-237365946-C-T. GRCh37 (hg19) VCF-style: chr2-238274589-C-T.
Other names: p.Ala1864Thr; c.3769G>A, p.Ala1257Thr (NM_057166.5); c.4972G>A, p.Ala1658Thr (NM_057167.4); short protein forms A1864T, A1257T, A1658T.
Identifiers: ClinVar variation 283280 (VCV000283280.12), dbSNP rs756521643, ClinGen allele CA2188628.
Genomic context (GRCh38, chr2:237,365,946, plus strand): 5'-TGGGCGAGCGGCCACCGCTGCAGCTGACCCTGTGCATCTGGCTGATTCTGTTCAAGATGG[C>T]GTCCACCTTGGACTCGAAGCCCTTCTGGGCCACAAAAACATTCTGGTCTCTAGAACCATC-3'
Protein context (NP_004360.2, residues 1854-1874): AQKGFESKVD[Ala1864Thr]ILNRISQMHR

ClinVar aggregate classification (germline): Uncertain significance. Review status: criteria provided, multiple submitters, no conflicts (2 of 4 stars). 5 submissions from 5 submitters: Uncertain significance (5). Last evaluated 2025-09-09.

Conditions:
Ullrich congenital muscular dystrophy 1A. Also called: Ullrich congenital muscular dystrophy 1; Intermediate COL6-RD. Identifiers: Orphanet 75840, MedGen C0410179, MONDO:0009681, OMIM 254090.
Bethlem myopathy 1A. Also called: Bethlem myopathy 1; MYOPATHY, BENIGN CONGENITAL, WITH CONTRACTURES; Bethlem Muscular Dystrophy. Identifiers: Orphanet 610, MedGen CN029274, MONDO:0024530, OMIM 158810.

Allele frequency attached by ClinVar (database versions not stated): TOPMed 0.00001; ExAC 0.00002.
gnomAD v4.1: 31 of 1,613,944 alleles (0.0019%); highest among the groups gnomAD compares: Middle Eastern, 0.016%; no homozygotes.

Submissions (5):

Labcorp Genetics (formerly Invitae), Labcorp
Classification: Uncertain significance for Bethlem myopathy 1A. Last evaluated: 2025-09-09. Review status: criteria provided, single submitter. Criteria: Invitae Variant Classification Sherloc (09022015). Collection method: clinical testing. Allele origin: germline.
Comment: This sequence change replaces alanine, which is neutral and non-polar, with threonine, which is neutral and polar, at codon 1864 of the COL6A3 protein (p.Ala1864Thr). This variant is present in population databases (rs756521643, gnomAD 0.003%). This missense change has been observed in individual(s) with COL6A3-related conditions (PMID: 30564623). ClinVar contains an entry for this variant (Variation ID: 283280). Invitae Evidence Modeling of protein sequence and biophysical properties (such as structural, functional, and spatial information, amino acid conservation, physicochemical variation, residue mobility, and thermodynamic stability) indicates that this missense variant is not expected to disrupt COL6A3 protein function with a negative predictive value of 80%. In summary, the available evidence is currently insufficient to determine the role of this variant in disease. Therefore, it has been classified as a Variant of Uncertain Significance.

Mayo Clinic Laboratories, Mayo Clinic
Classification: Uncertain significance. Last evaluated: 2024-09-17. Review status: criteria provided, single submitter. Criteria: ACMG Guidelines, 2015. Collection method: clinical testing. Allele origin: germline. Observed: 1 variant allele.
Comment: BP4

Revvity Omics, Revvity
Classification: Uncertain significance. Last evaluated: 2022-08-26. Review status: criteria provided, single submitter. Criteria: ACMG Guidelines, 2015. Collection method: clinical testing. Allele origin: germline.

Eurofins Ntd Llc (ga)
Classification: Uncertain significance. Last evaluated: 2015-09-10. Review status: criteria provided, single submitter. Criteria: EGL Classification Definitions 2015. Collection method: clinical testing. Allele origin: germline. Observed: 1 variant allele, 1 heterozygote.

Neuberg Centre For Genomic Medicine, NCGM
Classification: Uncertain significance for Ullrich congenital muscular dystrophy 1A. Review status: criteria provided, single submitter. Criteria: ACMG Guidelines, 2015. Collection method: clinical testing. Allele origin: germline. Inheritance: Autosomal dominant inheritance. Affected: yes.
Comment: The missense variant c.5590G>A (p.Ala1864Thr) in COL6A3 gene has not been reported previously as a pathogenic variant nor as a benign variant, to our knowledge. This variant is reported with the allele frequency (0.0008%) in the gnomAD and novel in 1000 genome database. It has been submitted to ClinVar database as Uncertain significance. The amino acid Alanine at position 1864 is changed to a Threonine changing protein sequence and it might alter its composition and physico-chemical properties. The variant is predicted as conserved by GERP++ and PhyloP across 100 vertebrates. For these reasons, this variant has been classified as Uncertain Significance.

Literature cited by the submitters: PubMed 30564623 (cited by Labcorp Genetics (formerly Invitae), Labcorp and Mayo Clinic Laboratories, Mayo Clinic).